The following is an entry in ClinVar:

NM_001329630.2(PLEKHA7):c.3357+2T>G

Gene: PLEKHA7 (pleckstrin homology domain containing A7; minus strand). Cytogenetic location: 11p15.2.
Variant type: single nucleotide variant.
Coding change: c.3357+2T>G on transcript NM_001329630.2 (MANE Select); the canonical splice donor site of the intron after coding-DNA position 3357, T replaced by G.
Molecular consequence: splice donor variant. On other transcripts: missense variant (2).
Genome position (GRCh38, 1-based): chr11:16,789,094, A>C on the plus strand (T>G on the coding strand, the complement: PLEKHA7 is on the minus strand). VCF-style: chr11-16789094-A-C. GRCh37 (hg19) VCF-style: chr11-16810641-A-C.
Other names: c.3362T>G, p.Val1121Gly (NM_001329631.2); c.3359T>G, p.Val1120Gly (NM_175058.5); c.3360+2T>G (NM_001410960.1); short protein forms V1120G, V1121G.
Identifiers: ClinVar variation 2635559 (VCV002635559.3), dbSNP rs1440223488, ClinGen allele CA379746977.

ClinVar aggregate classification (germline): Likely pathogenic (0 of 4 stars; one submission).

Conditions:
PLEKHA7-related disorder. Also called: PLEKHA7-related condition.

Allele frequency attached by ClinVar (database versions not stated): TOPMed below 0.00001; gnomAD 0.00001; gnomAD exomes 0.00002.
gnomAD v4.1: 30 of 1,601,604 alleles (0.0019%); highest among the groups gnomAD compares: Non-Finnish European, 0.0025%; no homozygotes.

Submission:

PreventionGenetics, part of Exact Sciences
Classification: Likely pathogenic for PLEKHA7-related condition. Last evaluated: 2024-01-03. Review status: no assertion criteria provided. Collection method: clinical testing. Allele origin: germline.
Comment: The PLEKHA7 c.3357+2T>G variant is predicted to disrupt the GT donor site and interfere with normal splicing. This variant is predicted to alter splicing based on available splicing prediction programs (Alamut Visual Plus v1.6.1), however, such computer prediction programs are imperfect. To our knowledge, this variant has not been reported in the literature. This variant is reported in 0.0018% of alleles in individuals of European (Non-Finnish) descent in gnomAD. Variants that impact splicing of the PLEKHA7 gene have not common been reported. At this time, the clinical significance of this variant is uncertain due to the absence of conclusive functional and genetic evidence.